The following is an entry in ClinVar:

NM_001042492.3(NF1):c.4174-5T>C

Gene: NF1 (neurofibromin 1; plus strand). Cytogenetic location: 17q11.2.
Variant type: single nucleotide variant.
Coding change: c.4174-5T>C on transcript NM_001042492.3 (MANE Select); 5 bases into the intron before coding-DNA position 4174, T replaced by C.
Molecular consequence: intron variant.
Genome position (GRCh38, 1-based): chr17:31,258,339, T>C. VCF-style: chr17-31258339-T-C. GRCh37 (hg19) VCF-style: chr17-29585357-T-C.
Other names: c.4111-5T>C (NM_000267.4).
Identifiers: ClinVar variation 2885006 (VCV002885006.4), dbSNP rs745562507, ClinGen allele CA8486362.
Genomic context (GRCh38, chr17:31,258,339, plus strand): 5'-TCTTTGTTTTCATGTCTTTATATTAATTCAAACCTTATACTCAATTCTCAACTCCTTGTT[T>C]TTAGGTGGTTAGCCAGCGTTTCCCTCAGAACAGCATCGGTGCAGTAGGAAGTGCCATGTT-3'

ClinVar aggregate classification (germline): Likely benign. Review status: criteria provided, multiple submitters, no conflicts (2 of 4 stars). 2 submissions from 2 submitters: Likely benign (2). Last evaluated 2026-05-13.

Conditions:
Neurofibromatosis, type 1 (NF1). Also called: VON RECKLINGHAUSEN DISEASE; NEUROFIBROMATOSIS, TYPE I, SOMATIC; Neurofibromatosis, type I; Peripheral type neurofibromatosis. Identifiers: Orphanet 636, MedGen C0027831, MONDO:0018975, OMIM 162200. Disease mechanism: loss of function.

Allele frequency attached by ClinVar (database versions not stated): ExAC 0.00001; gnomAD exomes below 0.00001.
gnomAD v4.1: 2 of 1,613,960 alleles (0.00012%); highest among the groups gnomAD compares: Admixed American, 0.0017%; no homozygotes.

Submissions (2):

Myriad Genetics, Inc.
Classification: Likely benign for Neurofibromatosis, type 1. Last evaluated: 2026-05-13. Review status: criteria provided, single submitter. Criteria: Myriad Autosomal Dominant, Autosomal Recessive and X-Linked Classification Criteria (2023). Collection method: clinical testing. Allele origin: unknown.
Comment: This variant is considered likely benign. This variant is intronic and is not expected to impact mRNA splicing.

Labcorp Genetics (formerly Invitae), Labcorp
Classification: Likely benign for Neurofibromatosis, type 1. Last evaluated: 2025-11-24. Review status: criteria provided, single submitter. Criteria: Invitae Variant Classification Sherloc (09022015). Collection method: clinical testing. Allele origin: germline.